The following is an entry in ClinVar:

NM_001160372.4(TRAPPC9):c.1626T>A (p.His542Gln)

Gene: TRAPPC9 (trafficking protein particle complex subunit 9; minus strand). Cytogenetic location: 8q24.3.
Variant type: single nucleotide variant.
Coding change: c.1626T>A on transcript NM_001160372.4 (MANE Select); coding-DNA position 1626, T replaced by A.
Protein change: p.His542Gln; replaces histidine 542 with glutamine.
Molecular consequence: missense variant. On other transcripts: non-coding transcript variant (1).
Genome position (GRCh38, 1-based): chr8:140,300,611, A>T on the plus strand (T>A on the coding strand, the complement: TRAPPC9 is on the minus strand). VCF-style: chr8-140300611-A-T. GRCh37 (hg19) VCF-style: chr8-141310710-A-T.
Other names: c.1599T>A, p.His533Gln (NM_001321646.2); c.1647T>A, p.His549Gln (NM_001374682.1); c.1626T>A, p.His542Gln (NM_001374683.1, NM_031466.8); c.1482T>A, p.His494Gln (NM_001374684.1); short protein forms H549Q, H533Q, H494Q, H542Q.
Identifiers: ClinVar variation 2007012 (VCV002007012.4), dbSNP rs750980156, ClinGen allele CA372316060.

ClinVar aggregate classification (germline): Uncertain significance (1 of 4 stars; one submission).

Submission:

Labcorp Genetics (formerly Invitae), Labcorp
Classification: Uncertain significance. Last evaluated: 2024-09-05. Review status: criteria provided, single submitter. Criteria: Invitae Variant Classification Sherloc (09022015). Collection method: clinical testing. Allele origin: germline.
Comment: This sequence change replaces histidine, which is basic and polar, with glutamine, which is neutral and polar, at codon 640 of the TRAPPC9 protein (p.His640Gln). This variant is not present in population databases (gnomAD no frequency). This variant has not been reported in the literature in individuals affected with TRAPPC9-related conditions. ClinVar contains an entry for this variant (Variation ID: 2007012). An algorithm developed to predict the effect of missense changes on protein structure and function (PolyPhen-2) suggests that this variant is likely to be tolerated. In summary, the available evidence is currently insufficient to determine the role of this variant in disease. Therefore, it has been classified as a Variant of Uncertain Significance.